The following is an entry in ClinVar:

NM_024685.4(BBS10):c.1307C>T (p.Thr436Ile)

Gene: BBS10 (Bardet-Biedl syndrome 10; minus strand). Cytogenetic location: 12q21.2.
Variant type: single nucleotide variant.
Coding change: c.1307C>T on transcript NM_024685.4 (MANE Select); coding-DNA position 1307, C replaced by T.
Protein change: p.Thr436Ile; replaces threonine 436 with isoleucine.
Molecular consequence: missense variant.
Genome position (GRCh38, 1-based): chr12:76,346,678, G>A on the plus strand (C>T on the coding strand, the complement: BBS10 is on the minus strand). VCF-style: chr12-76346678-G-A. GRCh37 (hg19) VCF-style: chr12-76740458-G-A.
Other names: short protein forms T436I.
Identifiers: ClinVar variation 4986906 (VCV004986906.1).
Genomic context (GRCh38, chr12:76,346,678, plus strand): 5'-TGATAACTTTCTCCACTGTTCTTATAAATAAAAAGACTTGAAGTGCCATTTTGGTCATTG[G>A]TTTGTGTCATGTAATTTAGATCAAGGTCTTTAAATAATTGCCGAAGCATTTTAAGTGCTC-3'
Protein context (NP_078961.3, residues 426-446): KDLDLNYMTQ[Thr436Ile]NDQNGTSSLF

ClinVar aggregate classification (germline): Uncertain significance (1 of 4 stars; one submission).

Conditions:
BBS10-related disorder. Also called: BBS10-related condition.

gnomAD v4.1: 13 of 1,613,958 alleles (0.00081%); highest among the groups gnomAD compares: Non-Finnish European, 0.0011%; no homozygotes.

Submission:

PreventionGenetics, part of Exact Sciences
Classification: Uncertain significance for BBS10-related condition. Last evaluated: 2026-06-27. Review status: criteria provided, single submitter. Criteria: ACMG Guidelines, 2015. Collection method: clinical testing. Allele origin: germline.
Comment: The BBS10 c.1307C>T variant is predicted to result in the amino acid substitution p.Thr436Ile. To our knowledge, this variant has not been reported in the literature. This variant is reported in 0.0065% of alleles in individuals of European (Non-Finnish) descent in gnomAD. At this time, the clinical significance of this variant is uncertain due to the absence of conclusive functional and genetic evidence.